The following is an entry in ClinVar:

ClinVar aggregate classification (germline): Uncertain significance (1 of 4 stars; one submission).

gnomAD v4.1: 1 of 1,599,298 alleles (0.000063%); highest among the groups gnomAD compares: Non-Finnish European, 0.000086%; no homozygotes.

Submission:

GeneDx
Classification: Uncertain significance. Last evaluated: 2023-11-14. Review status: criteria provided, single submitter. Criteria: GeneDx Variant Classification Process June 2021. Collection method: clinical testing. Allele origin: germline. Affected: yes.
Comment: Not observed at significant frequency in large population cohorts (gnomAD); In silico analysis supports that this missense variant does not alter protein structure/function; Has not been previously published as pathogenic or benign to our knowledge

NM_001375524.1(TRRAP):c.4024T>A (p.Leu1342Met)

Gene: TRRAP (transformation/transcription domain associated protein; plus strand). Cytogenetic location: 7q22.1.
Variant type: single nucleotide variant.
Coding change: c.4024T>A on transcript NM_001375524.1 (MANE Select); coding-DNA position 4024, T replaced by A.
Protein change: p.Leu1342Met; replaces leucine 1342 with methionine.
Molecular consequence: missense variant.
Genome position (GRCh38, 1-based): chr7:98,935,588, T>A. VCF-style: chr7-98935588-T-A. GRCh37 (hg19) VCF-style: chr7-98533211-T-A.
Other names: c.4024T>A, p.Leu1342Met (NM_001244580.2, NM_003496.4); short protein forms L1342M.
Identifiers: ClinVar variation 3364298 (VCV003364298.1).